The following is an entry in ClinVar:

ClinVar aggregate classification (germline): Uncertain significance. Review status: criteria provided, multiple submitters, no conflicts (2 of 4 stars). 2 submissions from 2 submitters: Uncertain significance (2). Last evaluated 2026-07-07.

Conditions:
Multiple endocrine neoplasia, type 2 (MEN2). Identifiers: Orphanet 653, MedGen C4048306, MONDO:0019003. Disease mechanism: gain of function.
Hereditary cancer-predisposing syndrome. Also called: Tumor predisposition; Hereditary neoplastic syndrome; Hereditary Cancer Syndrome; Neoplastic Syndromes, Hereditary. Identifiers: Orphanet 140162, MedGen C0027672, MeSH D009386, MONDO:0015356.

Submissions (2):

Ambry Genetics
Classification: Uncertain significance for Hereditary cancer-predisposing syndrome. Last evaluated: 2026-07-07. Review status: criteria provided, single submitter. Criteria: Ambry Variant Classification Scheme 2023. Collection method: clinical testing. Allele origin: germline.
Comment: The p.I464F variant (also known as c.1390A>T), located in coding exon 7 of the RET gene, results from an A to T substitution at nucleotide position 1390. The isoleucine at codon 464 is replaced by phenylalanine, an amino acid with highly similar properties. This amino acid position is conserved. In addition, this alteration is predicted to be tolerated by in silico analysis. Based on the available evidence, the clinical significance of this variant remains unclear.

Labcorp Genetics (formerly Invitae), Labcorp
Classification: Uncertain significance for Multiple endocrine neoplasia, type 2. Last evaluated: 2024-06-29. Review status: criteria provided, single submitter. Criteria: Invitae Variant Classification Sherloc (09022015). Collection method: clinical testing. Allele origin: germline.
Comment: This sequence change replaces isoleucine, which is neutral and non-polar, with phenylalanine, which is neutral and non-polar, at codon 464 of the RET protein (p.Ile464Phe). This variant is not present in population databases (gnomAD no frequency). This variant has not been reported in the literature in individuals affected with RET-related conditions. An algorithm developed to predict the effect of missense changes on protein structure and function (PolyPhen-2) suggests that this variant is likely to be tolerated. In summary, the available evidence is currently insufficient to determine the role of this variant in disease. Therefore, it has been classified as a Variant of Uncertain Significance.

NM_020975.6(RET):c.1390A>T (p.Ile464Phe)

Gene: RET (ret proto-oncogene; plus strand). Cytogenetic location: 10q11.21.
Variant type: single nucleotide variant.
Coding change: c.1390A>T on transcript NM_020975.6 (MANE Select); coding-DNA position 1390, A replaced by T.
Protein change: p.Ile464Phe; replaces isoleucine 464 with phenylalanine.
Molecular consequence: missense variant. On other transcripts: intron variant (15).
Genome position (GRCh38, 1-based): chr10:43,111,333, A>T. VCF-style: chr10-43111333-A-T. GRCh37 (hg19) VCF-style: chr10-43606781-A-T.
Other names: c.664A>T, p.Ile222Phe (NM_001406776.1, NM_001406777.1, NM_001406775.1 and 1 more transcripts); c.628A>T, p.Ile210Phe (NM_001355216.2); c.1390A>T, p.Ile464Phe (NM_001406743.1, NM_001406744.1, NM_001406765.1 and 4 more transcripts); c.1261A>T, p.Ile421Phe (NM_001406768.1, NM_001406764.1, NM_001406761.1 and 1 more transcripts); c.994A>T, p.Ile332Phe (NM_001406769.1, NM_001406772.1); c.1102A>T, p.Ile368Phe (NM_001406770.1, NM_001406766.1, NM_001406767.1); c.952A>T, p.Ile318Phe (NM_001406771.1, NM_001406773.1); c.865A>T, p.Ile289Phe (NM_001406774.1); and 5 more; short protein forms I368F, I210F, I332F, I134F, I222F, I289F, I318F, I421F.
Identifiers: ClinVar variation 3675561 (VCV003675561.3).
Genomic context (GRCh38, chr10:43,111,333, plus strand): 5'-TCCTCTGGTGCCAACTGCAGCACGCTAGGGGTGGTCACCTCAGCCGAGGACACCTCGGGG[A>T]TCCTGTTTGTGAATGACACCAAGGCCCTGCGGCGGCCCAAGTGTGCCGAACTTCACTACA-3'
Protein context (NP_066124.1, residues 454-474): VVTSAEDTSG[Ile464Phe]LFVNDTKALR